The following is an entry in ClinVar:

NM_000169.3(GLA):c.254G>T (p.Gly85Val)

Genes: GLA (galactosidase alpha; minus strand), RPL36A-HNRNPH2 (RPL36A-HNRNPH2 readthrough; plus strand). Cytogenetic location: Xq22.1.
Variant type: single nucleotide variant.
Coding change: c.254G>T on transcript NM_000169.3 (MANE Select); coding-DNA position 254, G replaced by T.
Protein change: p.Gly85Val; replaces glycine 85 with valine.
Molecular consequence: missense variant. On other transcripts: non-coding transcript variant (3), intron variant (2).
Genome position (GRCh38, 1-based): chrX:101,403,926, C>A on the plus strand (G>T on the coding strand, the complement: GLA is on the minus strand). VCF-style: chrX-101403926-C-A. GRCh37 (hg19) VCF-style: chrX-100658914-C-A.
Other names: c.377G>T, p.Gly126Val (NM_001406747.1, NM_001406749.1); c.254G>T, p.Gly85Val (NM_001406748.1); c.301-8010C>A (NM_001199973.2); c.178-8010C>A (NM_001199974.2); short protein forms G85V, G126V.
Identifiers: ClinVar variation 594688 (VCV000594688.9), dbSNP rs1569304898, ClinGen allele CA413933908.

ClinVar aggregate classification (germline): Conflicting classifications of pathogenicity. Review status: criteria provided, conflicting classifications (1 of 4 stars). 3 submissions from 3 submitters: Likely pathogenic (2); Uncertain significance (1). Last evaluated 2026-09-08.

Conditions:
Fabry disease. Also called: Fabry's disease; Angiokeratoma corporis diffusum; ALPHA-GALACTOSIDASE A DEFICIENCY; ANDERSON-FABRY DISEASE; CERAMIDE TRIHEXOSIDASE DEFICIENCY; GLA DEFICIENCY. Identifiers: Orphanet 324, MedGen C0002986, MONDO:0010526, OMIM 301500, HP:0001071. Disease mechanism: loss of function, Fabry disease is due to inactivating mutations in the X-linked GLA gene resulting in deficiency of the enzyme Alpha Galactosidase-A..

Submissions (3):

Genomenon, Inc
Classification: Likely pathogenic for Fabry disease. Last evaluated: 2026-09-08. Review status: criteria provided, single submitter. Criteria: Genomenon Sequence Variant Interpretation Standards - Updated. Collection method: curation. Allele origin: germline. Affected: yes.
Comment: GLA p.Gly85Val (c.254G>T) is a missense variant that changes the amino acid at codon 85 from Glycine to Valine. This variant has been observed in at least one proband with clinical features consistent with Fabry disease (PMID:29543226). Functional or patient cell studies have been reported (PMID:29543226;34205365). This variant is located in a mutational hotspot and/or important functional domain. It is absent or not present at a significant frequency in gnomAD. In silico models predict that this variant is possibly or probably damaging. In conclusion, we classify GLA p.Gly85Val (c.254G>T) as a likely pathogenic variant.

Revvity Omics, Revvity
Classification: Likely pathogenic. Last evaluated: 2023-02-28. Review status: criteria provided, single submitter. Criteria: ACMG Guidelines, 2015. Collection method: clinical testing. Allele origin: germline.

Eurofins Ntd Llc (ga)
Classification: Uncertain significance. Last evaluated: 2017-10-19. Review status: criteria provided, single submitter. Criteria: EGL Classification Definitions 2015. Collection method: clinical testing. Allele origin: germline.

Literature cited by the submitters: PubMed 29543226 (cited by Genomenon, Inc); PubMed 34205365 (cited by Genomenon, Inc).